The following is an entry in ClinVar:

ClinVar aggregate classification (germline): Uncertain significance. Review status: criteria provided, multiple submitters, no conflicts (2 of 4 stars). 2 submissions from 2 submitters: Uncertain significance (2). Last evaluated 2024-06-29.

Conditions:
Hereditary cancer-predisposing syndrome. Also called: Neoplastic Syndromes, Hereditary; Tumor predisposition; Hereditary Cancer Syndrome; Hereditary neoplastic syndrome. Identifiers: Orphanet 140162, MedGen C0027672, MeSH D009386, MONDO:0015356.
Bloom syndrome (BLM). Also called: Bloom-Torre-Machacek syndrome. Identifiers: Orphanet 125, MedGen C0005859, MONDO:0008876, OMIM 210900.

Allele frequency attached by ClinVar (database versions not stated): TOPMed below 0.00001.
gnomAD v4.1: 2 of 1,613,738 alleles (0.00012%); highest among the groups gnomAD compares: Non-Finnish European, 0.000085%; no homozygotes.

Submissions (2):

Labcorp Genetics (formerly Invitae), Labcorp
Classification: Uncertain significance for Bloom syndrome. Last evaluated: 2024-06-29. Review status: criteria provided, single submitter. Criteria: Invitae Variant Classification Sherloc (09022015). Collection method: clinical testing. Allele origin: germline.
Comment: This sequence change replaces glycine, which is neutral and non-polar, with valine, which is neutral and non-polar, at codon 1360 of the BLM protein (p.Gly1360Val). This variant is not present in population databases (gnomAD no frequency). This variant has not been reported in the literature in individuals affected with BLM-related conditions. ClinVar contains an entry for this variant (Variation ID: 1737600). Algorithms developed to predict the effect of missense changes on protein structure and function output the following: SIFT: "Not Available"; PolyPhen-2: "Benign"; Align-GVGD: "Not Available". The valine amino acid residue is found in multiple mammalian species, which suggests that this missense change does not adversely affect protein function. In summary, the available evidence is currently insufficient to determine the role of this variant in disease. Therefore, it has been classified as a Variant of Uncertain Significance.

Ambry Genetics
Classification: Uncertain significance for Hereditary cancer-predisposing syndrome. Last evaluated: 2022-09-25. Review status: criteria provided, single submitter. Criteria: Ambry Variant Classification Scheme 2023. Collection method: clinical testing. Allele origin: germline.
Comment: The p.G1360V variant (also known as c.4079G>T), located in coding exon 21 of the BLM gene, results from a G to T substitution at nucleotide position 4079. The glycine at codon 1360 is replaced by valine, an amino acid with dissimilar properties. This amino acid position is conserved. In addition, this alteration is predicted to be tolerated by in silico analysis. Since supporting evidence is limited at this time, the clinical significance of this alteration remains unclear.

NM_000057.4(BLM):c.4079G>T (p.Gly1360Val)

Gene: BLM (BLM RecQ like helicase; plus strand). Cytogenetic location: 15q26.1.
Variant type: single nucleotide variant.
Coding change: c.4079G>T on transcript NM_000057.4 (MANE Select); coding-DNA position 4079, G replaced by T.
Protein change: p.Gly1360Val; replaces glycine 1360 with valine.
Molecular consequence: missense variant.
Genome position (GRCh38, 1-based): chr15:90,815,104, G>T. VCF-style: chr15-90815104-G-T. GRCh37 (hg19) VCF-style: chr15-91358334-G-T.
Other names: c.4079G>T, p.Gly1360Val (NM_001287246.2); c.3686G>T, p.Gly1229Val (NM_001287247.2); c.2954G>T, p.Gly985Val (NM_001287248.2); short protein forms G1229V, G985V, G1360V.
Identifiers: ClinVar variation 1737600 (VCV001737600.4), dbSNP rs1258712808, ClinGen allele CA393852030.